The following is an entry in ClinVar:

ClinVar aggregate classification (germline): Uncertain significance (1 of 4 stars; one submission).

Allele frequency attached by ClinVar (database versions not stated): TOPMed below 0.00001; gnomAD 0.00001.
gnomAD v4.1: 1 of 1,613,882 alleles (0.000062%); highest among the groups gnomAD compares: African/African-American, 0.0013%; no homozygotes.

Submission:

Labcorp Genetics (formerly Invitae), Labcorp
Classification: Uncertain significance. Last evaluated: 2021-09-27. Review status: criteria provided, single submitter. Criteria: Invitae Variant Classification Sherloc (09022015). Collection method: clinical testing. Allele origin: germline.
Comment: In summary, the available evidence is currently insufficient to determine the role of this variant in disease. Therefore, it has been classified as a Variant of Uncertain Significance. Algorithms developed to predict the effect of missense changes on protein structure and function are either unavailable or do not agree on the potential impact of this missense change (SIFT: "Tolerated"; PolyPhen-2: "Probably Damaging"; Align-GVGD: "Class C0"). This variant has not been reported in the literature in individuals affected with IL6R-related conditions. This variant is not present in population databases (ExAC no frequency). This sequence change replaces tyrosine with histidine at codon 167 of the IL6R protein (p.Tyr167His). The tyrosine residue is moderately conserved and there is a moderate physicochemical difference between tyrosine and histidine.

NM_000565.4(IL6R):c.499T>C (p.Tyr167His)

Gene: IL6R (interleukin 6 receptor; plus strand). Cytogenetic location: 1q21.3.
Variant type: single nucleotide variant.
Coding change: c.499T>C on transcript NM_000565.4 (MANE Select); coding-DNA position 499, T replaced by C.
Protein change: p.Tyr167His; replaces tyrosine 167 with histidine.
Molecular consequence: missense variant.
Genome position (GRCh38, 1-based): chr1:154,434,559, T>C. VCF-style: chr1-154434559-T-C. GRCh37 (hg19) VCF-style: chr1-154407035-T-C.
Other names: c.499T>C, p.Tyr167His (NM_001206866.2, NM_001382769.1, NM_001382770.1 and 4 more transcripts); c.139T>C, p.Tyr47His (NM_001382774.1); short protein forms Y47H, Y167H.
Identifiers: ClinVar variation 1386752 (VCV001386752.6), dbSNP rs1468329259, ClinGen allele CA342610787.